The following is an entry in ClinVar:

NM_000368.5(TSC1):c.1192del (p.Ala398fs)

Gene: TSC1 (TSC complex subunit 1; minus strand). Cytogenetic location: 9q34.13.
Variant type: Deletion.
Coding change: c.1192del on transcript NM_000368.5 (MANE Select); coding-DNA position 1192, one base deleted (G; older notation c.1192delG).
Protein change: p.Ala398fs; shifts the reading frame from alanine 398.
Molecular consequence: frameshift variant.
Genome position (GRCh38, 1-based): chr9:132,910,642, C deleted on the plus strand (G on the coding strand, the reverse complement: TSC1 is on the minus strand). VCF-style (leftmost placement, unchanged base first): chr9-132910641-GC-G. GRCh37 (hg19) VCF-style: chr9-135786028-GC-G.
Other names: c.1039del, p.Ala347fs (NM_001162427.2); c.829del, p.Ala277fs (NM_001362177.2); c.1192delG (NM_000368.5); c.1189del, p.Ala397fs (NM_001162426.2); short protein forms A277fs, A347fs, A397fs, A398fs.
Identifiers: ClinVar variation 1433287 (VCV001433287.10), dbSNP rs2131943928, ClinGen allele CA2573144208.
Genomic context (GRCh38, chr9:132,910,641, plus strand): 5'-GGTGTGACTGTGGCCTGGGGGAGTGAAATGTGCACGTAGTCATCCGAATGACAGAGTGGG[GC>G]TGGAGGAGGAGAGGTTGCTGGGGTTCCCAGAGGAGTTCCTTTTCCACCTGCTTAGAGACA-3'

ClinVar aggregate classification (germline): Pathogenic/Likely pathogenic. Review status: criteria provided, multiple submitters, no conflicts (2 of 4 stars). 3 submissions from 3 submitters: Pathogenic (2); Likely pathogenic (1). Last evaluated 2025-10-13.

Conditions:
Tuberous sclerosis syndrome (TSC). Also called: Tuberous sclerosis; Tuberous Sclerosis Complex. Identifiers: Orphanet 805, MedGen C0041341, MONDO:0001734.
Tuberous sclerosis 1 (TSC1). Identifiers: Orphanet 805, MedGen C1854465, MONDO:0008612, OMIM 191100.

Submissions (3):

Women's Health and Genetics/Laboratory Corporation of America, LabCorp
Classification: Pathogenic for Tuberous sclerosis syndrome. Last evaluated: 2025-10-13. Review status: criteria provided, single submitter. Criteria: LabCorp Variant Classification Summary - May 2015. Collection method: clinical testing. Allele origin: germline.
Comment: Variant summary: TSC1 c.1192delG (p.Ala398ProfsX42) results in a premature termination codon, predicted to cause a truncation of the encoded protein or absence of the protein due to nonsense mediated decay, which are commonly known mechanisms for disease. The variant was absent in 250970 control chromosomes. To our knowledge, no occurrence of c.1192delG in individuals affected with TSC1-related conditions and no experimental evidence demonstrating its impact on protein function have been reported. ClinVar contains an entry for this variant (Variation ID: 1433287). Based on the evidence outlined above, the variant was classified as pathogenic.

Labcorp Genetics (formerly Invitae), Labcorp
Classification: Pathogenic for Tuberous sclerosis 1. Last evaluated: 2021-09-07. Review status: criteria provided, single submitter. Criteria: Invitae Variant Classification Sherloc (09022015). Collection method: clinical testing. Allele origin: germline.
Comment: For these reasons, this variant has been classified as Pathogenic. This variant has not been reported in the literature in individuals affected with TSC1-related conditions. This variant is not present in population databases (ExAC no frequency). This sequence change creates a premature translational stop signal (p.Ala398Profs*42) in the TSC1 gene. It is expected to result in an absent or disrupted protein product. Loss-of-function variants in TSC1 are known to be pathogenic (PMID: 10227394, 17304050).

Mayo Clinic Laboratories, Mayo Clinic
Classification: Likely pathogenic. Last evaluated: 2021-07-28. Review status: criteria provided, single submitter. Criteria: ACMG Guidelines, 2015. Collection method: clinical testing. Allele origin: germline.
Comment: PM2, PVS1

Literature cited by the submitters: PubMed 10227394 (cited by Labcorp Genetics (formerly Invitae), Labcorp); PubMed 17304050 (cited by Labcorp Genetics (formerly Invitae), Labcorp).